The following is an entry in ClinVar:

NM_003873.7(NRP1):c.1459A>G (p.Ile487Val)

Gene: NRP1 (neuropilin 1; minus strand). Cytogenetic location: 10p11.22.
Variant type: single nucleotide variant.
Coding change: c.1459A>G on transcript NM_003873.7 (MANE Select); coding-DNA position 1459, A replaced by G.
Protein change: p.Ile487Val; replaces isoleucine 487 with valine.
Molecular consequence: missense variant. On other transcripts: non-coding transcript variant (1).
Genome position (GRCh38, 1-based): chr10:33,213,541, T>C on the plus strand (A>G on the coding strand, the complement: NRP1 is on the minus strand). VCF-style: chr10-33213541-T-C. GRCh37 (hg19) VCF-style: chr10-33502469-T-C.
Other names: c.1459A>G, p.Ile487Val (NM_001024628.3, NM_001024629.3, NM_001244972.2 and 2 more transcripts); short protein forms I487V.
Identifiers: ClinVar variation 2634146 (VCV002634146.4), dbSNP rs182437025, ClinGen allele CA5466643.
Genomic context (GRCh38, chr10:33,213,541, plus strand): 5'-CTCGGTGCTTCCCACCCTGAATGATGATGCCCCTCACGATCTTCTCCTCCCCCAGGTCTA[T>C]TTGGAGCCACTCATTGATGTAGGAATGAGGTGCGGGTGGAAGTGCCCAGCCAGAGCGACT-3'
Protein context (NP_003864.5, residues 477-497): PHSYINEWLQ[Ile487Val]DLGEEKIVRG

ClinVar aggregate classification (germline): Uncertain significance (1 of 4 stars; one submission).

Conditions:
NRP1-related disorder. Also called: NRP1-related condition.

Allele frequency attached by ClinVar (database versions not stated): gnomAD exomes 0.00002; ExAC 0.00006; ESP Exome Variant Server 0.00008; gnomAD 0.00019; TOPMed 0.00022; 1000 Genomes Project 30x 0.00141; 1000 Genomes Project 0.00160.
gnomAD v4.1: 66 of 1,613,964 alleles (0.0041%); highest among the groups gnomAD compares: African/African-American, 0.072%; 2 homozygotes.

Submission:

PreventionGenetics, part of Exact Sciences
Classification: Uncertain significance for NRP1-related condition. Last evaluated: 2026-07-06. Review status: criteria provided, single submitter. Criteria: ACMG Guidelines, 2015. Collection method: clinical testing. Allele origin: germline.
Comment: The NRP1 c.1459A>G variant is predicted to result in the amino acid substitution p.Ile487Val. To our knowledge, this variant has not been reported in the literature. This variant is reported in 0.052% of alleles in individuals of African descent in gnomAD, which may be too common to be an undocumented cause of disease. Although we suspect that this variant may be benign, at this time, the clinical significance of this variant is uncertain due to the absence of conclusive functional and genetic evidence.